The following is an entry in ClinVar:

NM_015972.4(POLR1D):c.190G>T (p.Glu64Ter)

Genes: POLR1D (RNA polymerase I and III subunit D; plus strand), LOC147380392 (uncharacterized LOC147380392; plus strand). Cytogenetic location: 13q12.2.
Variant type: single nucleotide variant.
Coding change: c.190G>T on transcript NM_015972.4 (MANE Select); coding-DNA position 190, G replaced by T.
Protein change: p.Glu64Ter; replaces glutamic acid 64 with a stop codon.
Molecular consequence: nonsense. On other transcripts: intron variant (2).
Genome position (GRCh38, 1-based): chr13:27,623,038, G>T. VCF-style: chr13-27623038-G-T. GRCh37 (hg19) VCF-style: chr13-28197175-G-T.
Other names: c.190G>T, p.Glu64Ter (NM_001374407.1); c.-59+1898G>T (NM_001206559.2); c.26+1029G>T (NM_152705.3); short protein forms E64*.
Identifiers: ClinVar variation 4991038 (VCV004991038.1).
Genomic context (GRCh38, chr13:27,623,038, plus strand): 5'-TTGCACGAGGAAGACCATACCCTAGGAAATTCTCTACGTTACATGATCATGAAGAACCCG[G>T]AAGTGGAATTTTGTGGTTACACTACGACCCATCCTTCAGAGAGCAAAATTAATTTACGCA-3'

ClinVar aggregate classification (germline): Likely pathogenic (1 of 4 stars; one submission).

Conditions:
POLR1D-related disorder. Also called: POLR1D-related condition.

Submission:

PreventionGenetics, part of Exact Sciences
Classification: Likely pathogenic for POLR1D-related condition. Last evaluated: 2025-12-04. Review status: criteria provided, single submitter. Criteria: ACMG Guidelines, 2015. Collection method: clinical testing. Allele origin: germline.
Comment: The POLR1D c.190G>T variant is predicted to result in premature protein termination (p.Glu64*). To our knowledge, this variant has not been reported in the literature or in a large population database (gnomAD), indicating this variant is rare. Nonsense variants in POLR1D are expected to be pathogenic. This variant is interpreted as likely pathogenic.